The following is an entry in ClinVar:

ClinVar aggregate classification (germline): Likely pathogenic (1 of 4 stars; one submission).

Conditions:
Polycystic kidney disease, adult type (PKD1). Also called: Polycystic Kidney, Autosomal Dominant; POLYCYSTIC KIDNEY DISEASE, ADULT, TYPE I; Polycystic Kidney Disease 1, Autosomal Dominant; Polycystic kidney disease 1; Polycystic kidney disease 1, severe; POLYCYSTIC KIDNEY DISEASE 1 WITH OR WITHOUT POLYCYSTIC LIVER DISEASE. Identifiers: MedGen C3149841, MONDO:0008263, OMIM 173900.

Submission:

Department of Medical Genetics, Ordu University Medical School Training and Research Hospital
Classification: Likely pathogenic for Polycystic kidney disease, adult type. Last evaluated: 2026-06-21. Review status: criteria provided, single submitter. Criteria: ACMG Guidelines, 2015. Collection method: clinical testing. Allele origin: germline. Affected: yes. Observed: 1 variant allele.
Comment: Frameshift deletion creating a premature stop (p.(Cys530Ter); VariantValidator). ACMG-AMP: PVS1, PM2_supporting, PP4. Absent from gnomAD v4.1, ClinVar, HGMD, PKDB. Codon 530 is functionally constrained: a pathogenic missense (c.1589G>A, p.Cys530Tyr) is reported at the same codon in ClinVar.

NM_001009944.3(PKD1):c.1590_1591del (p.Cys530_Glu531delinsTer)

Gene: PKD1 (polycystin 1, transient receptor potential channel interacting; minus strand). Cytogenetic location: 16p13.3.
Variant type: Deletion.
Coding change: c.1590_1591del on transcript NM_001009944.3 (MANE Select); coding-DNA positions 1590 to 1591, 2 bases deleted (CG; older notation c.1590_1591delCG).
Protein change: p.Cys530_Glu531delinsTer.
Molecular consequence: nonsense.
Genome position (GRCh38, 1-based): chr16:2,116,848-2,116,849, CG deleted on the plus strand (CG on the coding strand, the reverse complement: PKD1 is on the minus strand); deleting any 2 consecutive bases within chr16:2,116,848-2,116,850 gives the same sequence; the c. name uses the placement nearest the transcript's 3' end. VCF-style (leftmost placement, unchanged base first): chr16-2116847-TCG-T. GRCh37 (hg19) VCF-style: chr16-2166848-TCG-T.
Other names: NM_001009944.3(PKD1):p.(Cys530Ter); c.1590_1591del, p.Cys530_Glu531delinsTer (NM_000296.4).
Identifiers: ClinVar variation 4875655 (VCV004875655.1).
Genomic context (GRCh38, chr16:2,116,847, plus strand): 5'-CTAACCACAGCCAGCGTCTCAGGCCCCTGCCTGGCCCCCCGCACACCTCCGGGCTGCAGC[TCG>T]CAGACGTAGCTGTGCGGCGCTGAGCACAGGTCGGTGTTACACCACCCGGTGGGCCCGAGC-3'